The following is an entry in ClinVar:

NM_001303256.3(MORC2):c.587-3C>T

Gene: MORC2 (MORC family CW-type zinc finger 2; minus strand). Cytogenetic location: 22q12.2.
Variant type: single nucleotide variant.
Coding change: c.587-3C>T on transcript NM_001303256.3 (MANE Select); 3 bases into the intron before coding-DNA position 587, C replaced by T.
Molecular consequence: intron variant.
Genome position (GRCh38, 1-based): chr22:30,942,005, G>A on the plus strand (C>T on the coding strand, the complement: MORC2 is on the minus strand). VCF-style: chr22-30942005-G-A. GRCh37 (hg19) VCF-style: chr22-31337992-G-A.
Other names: c.587-3C>T (NM_001303257.2); c.401-3C>T (NM_014941.3).
Identifiers: ClinVar variation 2846476 (VCV002846476.3), dbSNP rs1407154880, ClinGen allele CA639388540.
Genomic context (GRCh38, chr22:30,942,005, plus strand): 5'-TCTAGTTCTGGCTCTCCATTATCCATGAGTTTGAGATTGAAGATGATCACCAATGTTCCT[G>A]AGAAACAGAAATCTTTTGTCCTGCCAGATCCCCCGGCCCACCCCCACACTACTTGTGATT-3'

ClinVar aggregate classification (germline): Uncertain significance (1 of 4 stars; one submission).

Conditions:
Charcot-Marie-Tooth disease axonal type 2Z. Also called: CHARCOT-MARIE-TOOTH DISEASE, AXONAL, AUTOSOMAL DOMINANT, TYPE 2Z; CHARCOT-MARIE-TOOTH NEUROPATHY, TYPE 2Z. Identifiers: Orphanet 466768, MedGen C5569025, MONDO:0014736, OMIM 616688.

Allele frequency attached by ClinVar (database versions not stated): gnomAD exomes below 0.00001; gnomAD 0.00001; TOPMed 0.00001.
gnomAD v4.1: 7 of 1,612,302 alleles (0.00043%); highest among the groups gnomAD compares: African/African-American, 0.0067%; no homozygotes.

Submission:

Labcorp Genetics (formerly Invitae), Labcorp
Classification: Uncertain significance for Charcot-Marie-Tooth disease axonal type 2Z. Last evaluated: 2025-09-27. Review status: criteria provided, single submitter. Criteria: Invitae Variant Classification Sherloc (09022015). Collection method: clinical testing. Allele origin: germline.
Comment: This sequence change falls in intron 7 of the MORC2 gene. It does not directly change the encoded amino acid sequence of the MORC2 protein. It affects a nucleotide within the consensus splice site. This variant is present in population databases (no rsID available, gnomAD 0.007%). This variant has not been reported in the literature in individuals affected with MORC2-related conditions. ClinVar contains an entry for this variant (Variation ID: 2846476). Variants that disrupt the consensus splice site are a relatively common cause of aberrant splicing (PMID: 17576681, 9536098). Algorithms developed to predict the effect of sequence changes on RNA splicing suggest that this variant is not likely to affect RNA splicing. In summary, the available evidence is currently insufficient to determine the role of this variant in disease. Therefore, it has been classified as a Variant of Uncertain Significance.

Literature cited by the submitters: PubMed 17576681; PubMed 9536098.